The following is an entry in ClinVar:

NM_006059.4(LAMC3):c.4566G>C (p.Pro1522=)

Gene: LAMC3 (laminin subunit gamma 3; plus strand). Cytogenetic location: 9q34.12.
Variant type: single nucleotide variant.
Coding change: c.4566G>C on transcript NM_006059.4 (MANE Select); coding-DNA position 4566, G replaced by C.
Protein change: p.Pro1522=; no amino-acid change (proline 1522 retained).
Molecular consequence: synonymous variant.
Genome position (GRCh38, 1-based): chr9:131,091,625, G>C. VCF-style: chr9-131091625-G-C. GRCh37 (hg19) VCF-style: chr9-133967012-G-C.
Identifiers: ClinVar variation 3905329 (VCV003905329.10).

ClinVar aggregate classification (germline): Likely benign (1 of 4 stars; one submission).

gnomAD v4.1: 13 of 1,597,914 alleles (0.00081%); highest among the groups gnomAD compares: Middle Eastern, 0.033%; 1 homozygote.

Submission:

CeGaT Center for Human Genetics Tuebingen
Classification: Likely benign. Last evaluated: 2025-06-01. Review status: criteria provided, single submitter. Criteria: CeGaT Center For Human Genetics Tuebingen Variant Classification Criteria Version 2. Collection method: clinical testing. Allele origin: germline. Affected: yes. Observed: 1 variant allele.
Comment: LAMC3: BP4, BP7